The following is an entry in ClinVar:

ClinVar aggregate classification (germline): Uncertain significance (1 of 4 stars; one submission).

Conditions:
Cardiomyopathy (CMYO). Also called: Cardiomyopathies. Identifiers: Orphanet 167848, MedGen C0878544, MONDO:0004994, HP:0001638. Inheritance: Various modes of inheritance.

gnomAD v4.1: 1 of 1,613,534 alleles (0.000062%); highest among the groups gnomAD compares: Non-Finnish European, 0.000085%; no homozygotes.

Submission:

Color Diagnostics, LLC DBA Color Health
Classification: Uncertain significance for Cardiomyopathy. Last evaluated: 2025-06-23. Review status: criteria provided, single submitter. Criteria: ACMG Guidelines, 2015. Collection method: clinical testing. Allele origin: germline.
Comment: This missense variant replaces arginine with serine at codon 290 of the RYR2 protein. Computational prediction is inconclusive regarding the impact of this variant on protein structure and function. To our knowledge, functional studies have not been reported for this variant. This variant has not been reported in individuals affected with RYR2-related disorders in the literature. This variant has been identified in 1/248586 chromosomes in the general population by the Genome Aggregation Database (gnomAD). The available evidence is insufficient to determine the role of this variant in disease conclusively. Therefore, this variant is classified as a Variant of Uncertain Significance.

NM_001035.3(RYR2):c.870A>T (p.Arg290Ser)

Gene: RYR2 (ryanodine receptor 2; plus strand). Cytogenetic location: 1q43.
Variant type: single nucleotide variant.
Coding change: c.870A>T on transcript NM_001035.3 (MANE Select); coding-DNA position 870, A replaced by T.
Protein change: p.Arg290Ser; replaces arginine 290 with serine.
Molecular consequence: missense variant.
Genome position (GRCh38, 1-based): chr1:237,423,113, A>T. VCF-style: chr1-237423113-A-T. GRCh37 (hg19) VCF-style: chr1-237586413-A-T.
Other names: short protein forms R290S.
Identifiers: ClinVar variation 4757182 (VCV004757182.1).